The following is an entry in ClinVar:

ClinVar aggregate classification (germline): Uncertain significance. Review status: criteria provided, single submitter (1 of 4 stars). 2 submissions from 2 submitters: Uncertain significance (1). 1 of the submissions does not count toward it. Last evaluated 2021-09-27.

Conditions:
CHARGE syndrome (CHARGE). Also called: Hittner Hirsch Kreh syndrome; CHARGE ASSOCIATION--COLOBOMA, HEART ANOMALY, CHOANAL ATRESIA, RETARDATION, GENITAL AND EAR ANOMALIES; Coloboma, heart anomaly, choanal atresia, retardation, genital and ear anomalies; CHARGE association; Hall-Hittner syndrome. Identifiers: Orphanet 138, MedGen C0265354, MONDO:0008965.
SEMA3E-related disorder. Also called: SEMA3E-related condition.

Submissions (2):

Labcorp Genetics (formerly Invitae), Labcorp
Classification: Uncertain significance for CHARGE syndrome. Last evaluated: 2021-09-27. Review status: criteria provided, single submitter. Criteria: Invitae Variant Classification Sherloc (09022015). Collection method: clinical testing. Allele origin: germline.
Comment: In summary, the available evidence is currently insufficient to determine the role of this variant in disease. Therefore, it has been classified as a Variant of Uncertain Significance. Algorithms developed to predict the effect of missense changes on protein structure and function are either unavailable or do not agree on the potential impact of this missense change (SIFT: "Deleterious"; PolyPhen-2: "Probably Damaging"; Align-GVGD: "Class C0"). This variant has not been reported in the literature in individuals affected with SEMA3E-related conditions. This variant is not present in population databases (ExAC no frequency). This sequence change replaces cysteine with tyrosine at codon 115 of the SEMA3E protein (p.Cys115Tyr). The cysteine residue is highly conserved and there is a large physicochemical difference between cysteine and tyrosine.

PreventionGenetics, part of Exact Sciences
Classification: Uncertain significance for SEMA3E-related condition. Last evaluated: 2024-09-11. Review status: no assertion criteria provided. Collection method: clinical testing. Allele origin: germline. Not counted in ClinVar's aggregate classification.
Comment: The SEMA3E c.344G>A variant is predicted to result in the amino acid substitution p.Cys115Tyr. To our knowledge, this variant has not been reported in the literature or in a large population database, indicating this variant is rare. At this time, the clinical significance of this variant is uncertain due to the absence of conclusive functional and genetic evidence.

NM_012431.3(SEMA3E):c.344G>A (p.Cys115Tyr)

Gene: SEMA3E (semaphorin 3E; minus strand). Cytogenetic location: 7q21.11.
Variant type: single nucleotide variant.
Coding change: c.344G>A on transcript NM_012431.3 (MANE Select); coding-DNA position 344, G replaced by A.
Protein change: p.Cys115Tyr; replaces cysteine 115 with tyrosine.
Molecular consequence: missense variant.
Genome position (GRCh38, 1-based): chr7:83,466,594, C>T on the plus strand (G>A on the coding strand, the complement: SEMA3E is on the minus strand). VCF-style: chr7-83466594-C-T. GRCh37 (hg19) VCF-style: chr7-83095910-C-T.
Other names: c.344G>A (NM_012431.2); c.164G>A, p.Cys55Tyr (NM_001178129.2); short protein forms C115Y, C55Y.
Identifiers: ClinVar variation 1365296 (VCV001365296.7), dbSNP rs2115880845, ClinGen allele CA367935796.